The following is an entry in ClinVar:

NM_001386298.1(CIC):c.3400C>T (p.Gln1134Ter)

Gene: CIC (capicua transcriptional repressor; plus strand). Cytogenetic location: 19q13.2.
Variant type: single nucleotide variant.
Coding change: c.3400C>T on transcript NM_001386298.1 (MANE Select); coding-DNA position 3400, C replaced by T.
Protein change: p.Gln1134Ter; replaces glutamine 1134 with a stop codon.
Molecular consequence: nonsense.
Genome position (GRCh38, 1-based): chr19:42,287,635, C>T. VCF-style: chr19-42287635-C-T. GRCh37 (hg19) VCF-style: chr19-42791787-C-T.
Other names: c.3400C>T, p.Gln1134Ter (NM_001304815.2, NM_001379480.1, NM_001379482.1); c.673C>T, p.Gln225Ter (NM_001379484.1, NM_001379485.1, NM_015125.5); short protein forms Q225*, Q1134*.
Identifiers: ClinVar variation 1030471 (VCV001030471.21), dbSNP rs1282986679, ClinGen allele CA406098013.

ClinVar aggregate classification (germline): Pathogenic. Review status: criteria provided, multiple submitters, no conflicts (2 of 4 stars). 2 submissions from 2 submitters: Pathogenic (2). Last evaluated 2021-10-22.

Conditions:
Intellectual developmental disorder, autosomal dominant 45. Also called: MENTAL RETARDATION, AUTOSOMAL DOMINANT 45; Intellectual disability, autosomal dominant 45. Identifiers: MedGen C4539848, MONDO:0030910, OMIM 617600.

Submissions (2):

Tan Lab, Dept of Cell Biology, University of Alberta
Classification: Pathogenic for Intellectual disability, autosomal dominant 45. Last evaluated: 2021-10-22. Review status: criteria provided, single submitter. Criteria: Tan Lab Assertion Criteria 2021. Collection method: clinical testing. Allele origin: de novo. Inheritance: Autosomal dominant inheritance. Affected: yes.

Baylor Genetics
Classification: Pathogenic for Intellectual developmental disorder, autosomal dominant 45. Last evaluated: 2020-05-18. Review status: criteria provided, single submitter. Criteria: ACMG Guidelines, 2015. Collection method: clinical testing. Allele origin: unknown. Affected: yes.
Comment: This variant was determined to be pathogenic according to ACMG Guidelines, 2015 [PMID:25741868].

Literature cited by the submitters: PubMed 35165976 (cited by Tan Lab, Dept of Cell Biology, University of Alberta).